The following is an entry in ClinVar:

NM_014023.4(WDR37):c.829C>T (p.Leu277Phe)

Gene: WDR37 (WD repeat domain 37; plus strand). Cytogenetic location: 10p15.3.
Variant type: single nucleotide variant.
Coding change: c.829C>T on transcript NM_014023.4 (MANE Select); coding-DNA position 829, C replaced by T.
Protein change: p.Leu277Phe; replaces leucine 277 with phenylalanine.
Molecular consequence: missense variant.
Genome position (GRCh38, 1-based): chr10:1,103,704, C>T. VCF-style: chr10-1103704-C-T. GRCh37 (hg19) VCF-style: chr10-1149644-C-T.
Other names: short protein forms L277F.
Identifiers: ClinVar variation 2635533 (VCV002635533.1), dbSNP rs1469256336, ClinGen allele CA375854740.
Genomic context (GRCh38, chr10:1,103,704, plus strand): 5'-CCCGACCTCGATGGGGATGTGTCCAGCGACTGCCCCACCATCCGCGTCCCACTGACATCC[C>T]TCAAGAGCCACCAGGGCGTGGTCATCGCCTCCGACTGGCTGGTTGGGGGGAAGCAGGCTG-3'
Protein context (NP_054742.2, residues 267-287): CPTIRVPLTS[Leu277Phe]KSHQGVVIAS

ClinVar aggregate classification (germline): Uncertain significance (1 of 4 stars; one submission).

Conditions:
WDR37-related disorder. Also called: WDR37-related condition.

Allele frequency attached by ClinVar (database versions not stated): gnomAD exomes 0.00001; TOPMed 0.00001.

Submission:

PreventionGenetics, part of Exact Sciences
Classification: Uncertain significance for WDR37-related condition. Last evaluated: 2022-10-27. Review status: criteria provided, single submitter. Criteria: ACMG Guidelines, 2015. Collection method: clinical testing. Allele origin: germline.
Comment: The WDR37 c.829C>T variant is predicted to result in the amino acid substitution p.Leu277Phe. To our knowledge, this variant has not been reported in the literature. This variant is reported in 0.0058% of alleles in individuals of Latino descent in gnomAD. At this time, the clinical significance of this variant is uncertain due to the absence of conclusive functional and genetic evidence.